The following is an entry in ClinVar:

GRCh38/hg38 7q34-35(chr7:142578948-144254897)x1

Genes: ARHGEF35 (Rho guanine nucleotide exchange factor 35; minus strand), ARHGEF35-AS1 (ARHGEF35 antisense RNA 1; plus strand), CASP2 (caspase 2; plus strand), CLCN1 (chloride voltage-gated channel 1; plus strand), CTAGE15 (CTAGE family member 15; plus strand) and 107 more. Cytogenetic location: 7q34-35.
Variant type: copy number loss.
Change: copy number 1 (one copy instead of two) of chr7:142,578,948-144,254,897 (1.68 Mb, GRCh38 coordinates, 1-based), cytogenetic band 7q34-35.
Identifiers: ClinVar variation 57046 (VCV000057046.1).

ClinVar aggregate classification (germline): Pathogenic (1 of 4 stars; one submission).

Submission:

ISCA site 4
Classification: Pathogenic. Last evaluated: 2011-08-12. Review status: criteria provided, single submitter. Criteria: Kaminsky et al. (Genet Med. 2011). Collection method: clinical testing. Allele origin: unknown. Affected: yes. Observed: 1 variant allele.
Comment: Copy number variation identified through the course of routine clinical cytogenomic testing in postnatal populations. Clinical assertions have been curated as described in Kaminsky et al. 2011.